The following is an entry in ClinVar:

NM_020964.3(EPG5):c.971G>A (p.Arg324Gln)

Gene: EPG5 (ectopic P-granules 5 autophagy tethering factor; minus strand). Cytogenetic location: 18q21.1.
Variant type: single nucleotide variant.
Coding change: c.971G>A on transcript NM_020964.3 (MANE Select); coding-DNA position 971, G replaced by A.
Protein change: p.Arg324Gln; replaces arginine 324 with glutamine.
Molecular consequence: missense variant.
Genome position (GRCh38, 1-based): chr18:45,954,431, C>T on the plus strand (G>A on the coding strand, the complement: EPG5 is on the minus strand). VCF-style: chr18-45954431-C-T. GRCh37 (hg19) VCF-style: chr18-43534397-C-T.
Other names: short protein forms R324Q.
Identifiers: ClinVar variation 934930 (VCV000934930.9), dbSNP rs769257858, ClinGen allele CA8949859.
Genomic context (GRCh38, chr18:45,954,431, plus strand): 5'-CCCCAGGCTTCTGATCAAAATACCTGTACAGACATTTGTTCCTCCTTAAACTGCCACAGC[C>T]GACTTTTAGCATTTTGGCAATCAGATGTCAGAGTAAGCAGCTCAGCTTCAGCCAGCAGCA-3'
Protein context (NP_066015.2, residues 314-334): LTSDCQNAKS[Arg324Gln]LWQFKEEQMS

ClinVar aggregate classification (germline): Uncertain significance. Review status: criteria provided, multiple submitters, no conflicts (2 of 4 stars). 2 submissions from 2 submitters: Uncertain significance (2). Last evaluated 2025-04-07.

Conditions:
Inborn genetic diseases. Identifiers: MedGen C0950123, MeSH D030342.
Vici syndrome (VICIS). Identifiers: Orphanet 1493, MedGen C1855772, MONDO:0009452, OMIM 242840.

Allele frequency attached by ClinVar (database versions not stated): gnomAD below 0.00001 and 0.00001; TOPMed below 0.00001; gnomAD exomes 0.00005 and 0.00013; ExAC 0.00011.
gnomAD v4.1: 83 of 1,613,114 alleles (0.0051%); highest among the groups gnomAD compares: South Asian, 0.078%; no homozygotes.

Submissions (2):

Labcorp Genetics (formerly Invitae), Labcorp
Classification: Uncertain significance for Vici syndrome. Last evaluated: 2025-04-07. Review status: criteria provided, single submitter. Criteria: Invitae Variant Classification Sherloc (09022015). Collection method: clinical testing. Allele origin: germline.
Comment: This sequence change replaces arginine, which is basic and polar, with glutamine, which is neutral and polar, at codon 324 of the EPG5 protein (p.Arg324Gln). This variant is present in population databases (rs769257858, gnomAD 0.1%). This variant has not been reported in the literature in individuals affected with EPG5-related conditions. ClinVar contains an entry for this variant (Variation ID: 934930). Invitae Evidence Modeling of protein sequence and biophysical properties (such as structural, functional, and spatial information, amino acid conservation, physicochemical variation, residue mobility, and thermodynamic stability) indicates that this missense variant is not expected to disrupt EPG5 protein function with a negative predictive value of 80%. In summary, the available evidence is currently insufficient to determine the role of this variant in disease. Therefore, it has been classified as a Variant of Uncertain Significance.

Ambry Genetics
Classification: Uncertain significance for Inborn genetic diseases. Last evaluated: 2023-05-26. Review status: criteria provided, single submitter. Criteria: Ambry Variant Classification Scheme 2023. Collection method: clinical testing. Allele origin: germline.